The following is an entry in ClinVar:

NM_014844.5(TECPR2):c.3991G>A (p.Gly1331Arg)

Gene: TECPR2 (tectonin beta-propeller repeat containing 2; plus strand). Cytogenetic location: 14q32.31.
Variant type: single nucleotide variant.
Coding change: c.3991G>A on transcript NM_014844.5 (MANE Select); coding-DNA position 3991, G replaced by A.
Protein change: p.Gly1331Arg; replaces glycine 1331 with arginine.
Molecular consequence: missense variant.
Genome position (GRCh38, 1-based): chr14:102,497,629, G>A. VCF-style: chr14-102497629-G-A. GRCh37 (hg19) VCF-style: chr14-102963966-G-A.
Other names: short protein forms G1331R.
Identifiers: ClinVar variation 540299 (VCV000540299.6), dbSNP rs143705801, ClinGen allele CA7358430.

ClinVar aggregate classification (germline): Uncertain significance. Review status: criteria provided, multiple submitters, no conflicts (2 of 4 stars). 3 submissions from 3 submitters: Uncertain significance (2). 1 of the submissions does not count toward it. Last evaluated 2021-08-31.

Conditions:
Hereditary spastic paraplegia 49 (HSAN9). Also called: NEUROPATHY, HEREDITARY SENSORY AND AUTONOMIC, TYPE IX, WITH DEVELOPMENTAL DELAY; Spastic paraplegia 49, autosomal recessive; TECPR2-Related Hereditary Sensory and Autonomic Neuropathy with Intellectual Disability. Identifiers: Orphanet 320385, MedGen C5190860, MONDO:0014016, OMIM 615031.

Allele frequency attached by ClinVar (database versions not stated): gnomAD exomes 0.00002 and 0.00007; ExAC 0.00004; TOPMed 0.00005; gnomAD 0.00007; ESP Exome Variant Server 0.00023.
gnomAD v4.1: 108 of 1,609,350 alleles (0.0067%); highest among the groups gnomAD compares: Non-Finnish European, 0.0081%; no homozygotes.

Submissions (3):

Labcorp Genetics (formerly Invitae), Labcorp
Classification: Uncertain significance for Hereditary spastic paraplegia 49. Last evaluated: 2021-08-31. Review status: criteria provided, single submitter. Criteria: Invitae Variant Classification Sherloc (09022015). Collection method: clinical testing. Allele origin: germline.
Comment: This sequence change replaces glycine with arginine at codon 1331 of the TECPR2 protein (p.Gly1331Arg). The glycine residue is highly conserved and there is a moderate physicochemical difference between glycine and arginine. This variant is present in population databases (rs143705801, ExAC 0.008%). This variant has not been reported in the literature in individuals affected with TECPR2-related conditions. Algorithms developed to predict the effect of missense changes on protein structure and function are either unavailable or do not agree on the potential impact of this missense change (SIFT: "Deleterious"; PolyPhen-2: "Probably Damaging"; Align-GVGD: "Class C0"). Algorithms developed to predict the effect of sequence changes on RNA splicing suggest that this variant may create or strengthen a splice site. In summary, the available evidence is currently insufficient to determine the role of this variant in disease. Therefore, it has been classified as a Variant of Uncertain Significance.

Breakthrough Genomics
Classification: Uncertain significance. Review status: criteria provided, single submitter. Criteria: ACMG Guidelines, 2015. Collection method: not provided. Allele origin: germline. Inheritance: Autosomal recessive inheritance. Affected: yes.

Natera, Inc.
Classification: Uncertain significance for Autosomal recessive spastic paraplegia type 49. Last evaluated: 2020-09-16. Review status: no assertion criteria provided. Collection method: clinical testing. Allele origin: germline. Not counted in ClinVar's aggregate classification.